The following is an entry in ClinVar:

ClinVar aggregate classification (germline): Likely benign (0 of 4 stars; one submission).

Conditions:
POMC-related disorder. Also called: POMC-related disorders; POMC-related condition.

Submission:

PreventionGenetics, part of Exact Sciences
Classification: Likely benign for POMC-related condition. Last evaluated: 2021-08-11. Review status: no assertion criteria provided. Collection method: clinical testing. Allele origin: germline.
Comment: This variant is classified as likely benign based on ACMG/AMP sequence variant interpretation guidelines (Richards et al. 2015 PMID: 25741868, with internal and published modifications).

NM_000939.4(POMC):c.*2G>A

Gene: POMC (proopiomelanocortin; minus strand). Cytogenetic location: 2p23.3.
Variant type: single nucleotide variant.
Coding change: c.*2G>A on transcript NM_000939.4 (MANE Select); 2 bases downstream of the stop codon, G replaced by A.
Molecular consequence: 3 prime UTR variant.
Genome position (GRCh38, 1-based): chr2:25,161,079, C>T on the plus strand (G>A on the coding strand, the complement: POMC is on the minus strand). VCF-style: chr2-25161079-C-T. GRCh37 (hg19) VCF-style: chr2-25383948-C-T.
Other names: c.*2G>A (NM_001035256.3, NM_001319204.2, NM_001319205.2).
Identifiers: ClinVar variation 3357529 (VCV003357529.1).